The following is an entry in ClinVar:

NM_021005.4(NR2F2):c.305T>G (p.Phe102Cys)

Gene: NR2F2 (nuclear receptor subfamily 2 group F member 2; plus strand). Cytogenetic location: 15q26.2.
Variant type: single nucleotide variant.
Coding change: c.305T>G on transcript NM_021005.4 (MANE Select); coding-DNA position 305, T replaced by G.
Protein change: p.Phe102Cys; replaces phenylalanine 102 with cysteine.
Molecular consequence: missense variant. On other transcripts: intron variant (1).
Genome position (GRCh38, 1-based): chr15:96,332,410, T>G. VCF-style: chr15-96332410-T-G. GRCh37 (hg19) VCF-style: chr15-96875639-T-G.
Other names: c.44-1666T>G (NM_001145155.2); short protein forms F102C.
Identifiers: ClinVar variation 3897577 (VCV003897577.1).

ClinVar aggregate classification (germline): Likely pathogenic (1 of 4 stars; one submission).

Conditions:
Congenital heart defects, multiple types, 4 (CHTD4). Identifiers: MedGen C4014310, MONDO:0014344, OMIM 615779.

Submission:

Genetics Laboratory, UDIAT-Centre Diagnòstic, Hospital Universitari Parc Tauli
Classification: Likely pathogenic for congenital heart defects, multiple types, 4. Last evaluated: 2024-09-10. Review status: criteria provided, single submitter. Criteria: ACMG Guidelines, 2015. Collection method: clinical testing. Allele origin: unknown. Inheritance: Autosomal dominant inheritance. Affected: yes.
Comment: PM1_moderate;PM2_supporting;PP3_strong